The following is an entry in ClinVar:

NM_004973.4(JARID2):c.1177C>A (p.Leu393Ile)

Gene: JARID2 (jumonji and AT-rich interaction domain containing 2; plus strand). Cytogenetic location: 6p22.3.
Variant type: single nucleotide variant.
Coding change: c.1177C>A on transcript NM_004973.4 (MANE Select); coding-DNA position 1177, C replaced by A.
Protein change: p.Leu393Ile; replaces leucine 393 with isoleucine.
Molecular consequence: missense variant.
Genome position (GRCh38, 1-based): chr6:15,496,402, C>A. VCF-style: chr6-15496402-C-A. GRCh37 (hg19) VCF-style: chr6-15496633-C-A.
Other names: c.661C>A, p.Leu221Ile (NM_001267040.1); c.1177C>A (NM_004973.2); short protein forms L393I, L221I.
Identifiers: ClinVar variation 3781047 (VCV003781047.2).

ClinVar aggregate classification (germline): Conflicting classifications of pathogenicity. Review status: criteria provided, conflicting classifications (1 of 4 stars). 2 submissions from 2 submitters: Uncertain significance (1); Likely benign (1). Last evaluated 2025-08-12.

Conditions:
Inborn genetic diseases. Identifiers: MedGen C0950123, MeSH D030342.

Submissions (2):

Ambry Genetics
Classification: Uncertain significance for Inborn genetic diseases. Last evaluated: 2025-08-12. Review status: criteria provided, single submitter. Criteria: Ambry Variant Classification Scheme 2023. Collection method: clinical testing. Allele origin: germline.

GeneDx
Classification: Likely benign. Last evaluated: 2024-10-18. Review status: criteria provided, single submitter. Criteria: GeneDx Variant Classification Process June 2021. Collection method: clinical testing. Allele origin: germline. Affected: yes.
Comment: See Variant Classification Assertion Criteria.